The following is an entry in ClinVar:

ClinVar aggregate classification (germline): Pathogenic (3 of 4 stars; one submission).

Conditions:
Monogenic diabetes. Identifiers: Orphanet 183625, MedGen C3888631, MONDO:0015967.

Submission:

ClinGen Monogenic Diabetes Variant Curation Expert Panel
Classification: Pathogenic for Monogenic diabetes. Last evaluated: 2022-08-05. Review status: reviewed by expert panel. Criteria: Clingen Diabetes Acmg Specifications V1 2. Collection method: curation. Allele origin: germline. Inheritance: Autosomal dominant inheritance.
Comment: The c.956-2A>G variant in the HNF1 homeobox A gene, HNF1A, is predicted to remove a canonical splice donor site in intron 4 of NM_000545.8. This variant is predicted to cause skipping of biologically-relevant exon 5 of 10, resulting in a frameshift, leading to nonsense mediated decay in a gene in which loss-of-function is an established disease mechanism (PVS1; PMID: 23348805). This variant is absent in gnomAD v2.1.1 (PM2_Supporting), and was identified in two unrelated individuals with non-autoimmune and non-absolute/near-absolute insulin-deficient diabetes; however, PS4_Moderate cannot be applied because this number is below the ClinGen MDEP threshold (PMID 8945470, internal lab contributor). This variant segregated with diabetes, with 9 informative meioses in two families with MODY (PP1_Strong; PMID 8945470, internal lab contributor). In summary, c.956-2A>G meets the criteria to be classified as pathogenic for monogenic diabetes. ACMG/AMP criteria applied, as specified by the ClinGen MDEP (specification version 1.1, approved 9/30/2021): PVS1, PP1_Strong, PM2_Supporting.

NM_000545.8(HNF1A):c.956-2A>G

Gene: HNF1A (HNF1 homeobox A; plus strand). Cytogenetic location: 12q24.31.
Variant type: single nucleotide variant.
Coding change: c.956-2A>G on transcript NM_000545.8 (MANE Select); the canonical splice acceptor site of the intron before coding-DNA position 956, A replaced by G.
Molecular consequence: splice acceptor variant.
Genome position (GRCh38, 1-based): chr12:120,996,260, A>G. VCF-style: chr12-120996260-A-G. GRCh37 (hg19) VCF-style: chr12-121434063-A-G.
Other names: NM_001306179.2:c.956-2A>G; c.956-2A>G (NM_001306179.2, NM_001406915.1).
Identifiers: ClinVar variation 1804169 (VCV001804169.1), dbSNP rs2500001248, ClinGen allele CA386967815.
Genomic context (GRCh38, chr12:120,996,260, plus strand): 5'-TGTGGAGGCAGGGGAGGGCAGGGAAGTGGGGTGCTGAGGCAGGACACTGCTTCCCTCTCC[A>G]GGTGTGCGCTATGGACAGCCTGCGACCAGTGAGACTGCAGAAGTACCCTCAAGCAGCGGC-3'